The following is an entry in ClinVar:

ClinVar aggregate classification (germline): Uncertain significance (1 of 4 stars; one submission).

Conditions:
Norman-Roberts syndrome (LIS2). Also called: Lissencephaly 2 (Norman-Roberts type). Identifiers: Orphanet 89844, MedGen C0796089, MONDO:0009760, OMIM 257320.
Familial temporal lobe epilepsy 7. Identifiers: Orphanet 101046, MedGen C4225327, MONDO:0014639, OMIM 616436.

Allele frequency attached by ClinVar (database versions not stated): TOPMed below 0.00001.

Submission:

Labcorp Genetics (formerly Invitae), Labcorp
Classification: Uncertain significance for Familial temporal lobe epilepsy 7; Norman-Roberts syndrome. Last evaluated: 2023-03-29. Review status: criteria provided, single submitter. Criteria: Invitae Variant Classification Sherloc (09022015). Collection method: clinical testing. Allele origin: germline.
Comment: In summary, the available evidence is currently insufficient to determine the role of this variant in disease. Therefore, it has been classified as a Variant of Uncertain Significance. Advanced modeling of protein sequence and biophysical properties (such as structural, functional, and spatial information, amino acid conservation, physicochemical variation, residue mobility, and thermodynamic stability) performed at Invitae indicates that this missense variant is not expected to disrupt RELN protein function. This variant has not been reported in the literature in individuals affected with RELN-related conditions. This variant is not present in population databases (gnomAD no frequency). This sequence change replaces histidine, which is basic and polar, with tyrosine, which is neutral and polar, at codon 394 of the RELN protein (p.His394Tyr).

NM_005045.4(RELN):c.1180C>T (p.His394Tyr)

Gene: RELN (reelin; minus strand). Cytogenetic location: 7q22.1.
Variant type: single nucleotide variant.
Coding change: c.1180C>T on transcript NM_005045.4 (MANE Select); coding-DNA position 1180, C replaced by T.
Protein change: p.His394Tyr; replaces histidine 394 with tyrosine.
Molecular consequence: missense variant.
Genome position (GRCh38, 1-based): chr7:103,682,225, G>A on the plus strand (C>T on the coding strand, the complement: RELN is on the minus strand). VCF-style: chr7-103682225-G-A. GRCh37 (hg19) VCF-style: chr7-103322672-G-A.
Other names: c.1180C>T, p.His394Tyr (NM_173054.3); short protein forms H394Y.
Identifiers: ClinVar variation 2924656 (VCV002924656.3), dbSNP rs1833669235, ClinGen allele CA368926607.